The following is an entry in ClinVar:

NM_001384732.1(CPLANE1):c.7131A>T (p.Arg2377Ser)

Gene: CPLANE1 (ciliogenesis and planar polarity effector complex subunit 1; minus strand). Cytogenetic location: 5p13.2.
Variant type: single nucleotide variant.
Coding change: c.7131A>T on transcript NM_001384732.1 (MANE Select); coding-DNA position 7131, A replaced by T.
Protein change: p.Arg2377Ser; replaces arginine 2377 with serine.
Molecular consequence: missense variant.
Genome position (GRCh38, 1-based): chr5:37,168,893, T>A on the plus strand (A>T on the coding strand, the complement: CPLANE1 is on the minus strand). VCF-style: chr5-37168893-T-A. GRCh37 (hg19) VCF-style: chr5-37168995-T-A.
Other names: c.7131A>T, p.Arg2377Ser (NM_023073.4); short protein forms R2377S.
Identifiers: ClinVar variation 1968658 (VCV001968658.5), dbSNP rs2547562882, ClinGen allele CA359478012.

ClinVar aggregate classification (germline): Uncertain significance (1 of 4 stars; one submission).

Submission:

Labcorp Genetics (formerly Invitae), Labcorp
Classification: Uncertain significance. Last evaluated: 2022-01-26. Review status: criteria provided, single submitter. Criteria: Invitae Variant Classification Sherloc (09022015). Collection method: clinical testing. Allele origin: germline.
Comment: This sequence change replaces arginine, which is basic and polar, with serine, which is neutral and polar, at codon 2377 of the CPLANE1 protein (p.Arg2377Ser). In summary, the available evidence is currently insufficient to determine the role of this variant in disease. Therefore, it has been classified as a Variant of Uncertain Significance. Advanced modeling of protein sequence and biophysical properties (such as structural, functional, and spatial information, amino acid conservation, physicochemical variation, residue mobility, and thermodynamic stability) performed at Invitae indicates that this missense variant is not expected to disrupt CPLANE1 protein function. This variant has not been reported in the literature in individuals affected with CPLANE1-related conditions. This variant is not present in population databases (gnomAD no frequency).